The following is an entry in ClinVar:

ClinVar aggregate classification (germline): Uncertain significance (1 of 4 stars; one submission).

Conditions:
Atrioventricular septal defect 4 (AVSD4). Identifiers: MedGen C3280781, MONDO:0013747, OMIM 614430.

Submission:

Labcorp Genetics (formerly Invitae), Labcorp
Classification: Uncertain significance for Atrioventricular septal defect 4. Last evaluated: 2021-10-23. Review status: criteria provided, single submitter. Criteria: Invitae Variant Classification Sherloc (09022015). Collection method: clinical testing. Allele origin: germline.
Comment: Algorithms developed to predict the effect of missense changes on protein structure and function are either unavailable or do not agree on the potential impact of this missense change (SIFT: "Tolerated"; PolyPhen-2: "Possibly Damaging"; Align-GVGD: "Class C0"). This variant has not been reported in the literature in individuals affected with GATA4-related conditions. This variant is not present in population databases (ExAC no frequency). This sequence change replaces arginine with glycine at codon 259 of the GATA4 protein (p.Arg259Gly). The arginine residue is moderately conserved and there is a moderate physicochemical difference between arginine and glycine. In summary, the available evidence is currently insufficient to determine the role of this variant in disease. Therefore, it has been classified as a Variant of Uncertain Significance.

NM_001308093.3(GATA4):c.778C>G (p.Arg260Gly)

Gene: GATA4 (GATA binding protein 4). Cytogenetic location: 8p23.1.
Variant type: single nucleotide variant.
Coding change: c.778C>G on transcript NM_001308093.3 (MANE Select); coding-DNA position 778, C replaced by G.
Protein change: p.Arg260Gly; replaces arginine 260 with glycine.
Molecular consequence: missense variant.
Genome position (GRCh38, 1-based): chr8:11,749,077, C>G. VCF-style: chr8-11749077-C-G. GRCh37 (hg19) VCF-style: chr8-11606586-C-G.
Other names: c.157C>G, p.Arg53Gly (NM_001308094.2, NM_001374273.1, NM_001374274.1); c.775C>G, p.Arg259Gly (NM_002052.5); short protein forms R53G, R260G, R259G.
Identifiers: ClinVar variation 1498891 (VCV001498891.6), dbSNP rs1437389442, ClinGen allele CA370312876.